The following is an entry in ClinVar:

NM_002439.5(MSH3):c.1427A>G (p.Tyr476Cys)

Gene: MSH3 (mutS homolog 3; plus strand). Cytogenetic location: 5q14.1.
Variant type: single nucleotide variant.
Coding change: c.1427A>G on transcript NM_002439.5 (MANE Select); coding-DNA position 1427, A replaced by G.
Protein change: p.Tyr476Cys; replaces tyrosine 476 with cysteine.
Molecular consequence: missense variant.
Genome position (GRCh38, 1-based): chr5:80,725,539, A>G. VCF-style: chr5-80725539-A-G. GRCh37 (hg19) VCF-style: chr5-80021358-A-G.
Other names: short protein forms Y476C.
Identifiers: ClinVar variation 1772392 (VCV001772392.3), dbSNP rs2112855532, ClinGen allele CA360273664.
Genomic context (GRCh38, chr5:80,725,539, plus strand): 5'-AAAGGATGGATAACATTTATTTTGAATACAGCCATGCTTTCCAGGCAGTTACAGAGTTTT[A>G]TGCAAAAGATACAGTTGACATCAAAGGTAAATATTTTCCCTGTATGTCCTCAAGTTGAAC-3'
Protein context (NP_002430.3, residues 466-486): SHAFQAVTEF[Tyr476Cys]AKDTVDIKGS

ClinVar aggregate classification (germline): Uncertain significance (1 of 4 stars; one submission).

Conditions:
Hereditary cancer-predisposing syndrome. Also called: Hereditary Cancer Syndrome; Hereditary neoplastic syndrome; Neoplastic Syndromes, Hereditary; Tumor predisposition. Identifiers: Orphanet 140162, MedGen C0027672, MeSH D009386, MONDO:0015356.

Submission:

Ambry Genetics
Classification: Uncertain significance for Hereditary cancer-predisposing syndrome. Last evaluated: 2025-03-04. Review status: criteria provided, single submitter. Criteria: Ambry Variant Classification Scheme 2023. Collection method: clinical testing. Allele origin: germline.
Comment: The p.Y476C variant (also known as c.1427A>G), located in coding exon 9 of the MSH3 gene, results from an A to G substitution at nucleotide position 1427. The tyrosine at codon 476 is replaced by cysteine, an amino acid with highly dissimilar properties. This amino acid position is highly conserved in available vertebrate species. In addition, the in silico prediction for this alteration is inconclusive. Since supporting evidence is limited at this time, the clinical significance of this alteration remains unclear.